The following is an entry in ClinVar:

NM_000273.3(GPR143):c.629C>T (p.Pro210Leu)

Gene: GPR143 (G protein-coupled receptor 143; minus strand). Cytogenetic location: Xp22.2.
Variant type: single nucleotide variant.
Coding change: c.629C>T on transcript NM_000273.3 (MANE Select); coding-DNA position 629, C replaced by T.
Protein change: p.Pro210Leu; replaces proline 210 with leucine.
Molecular consequence: missense variant.
Genome position (GRCh38, 1-based): chrX:9,746,073, G>A on the plus strand (C>T on the coding strand, the complement: GPR143 is on the minus strand). VCF-style: chrX-9746073-G-A. GRCh37 (hg19) VCF-style: chrX-9714113-G-A.
Other names: c.629C>T, p.Pro210Leu (NM_001440781.1); short protein forms P210L.
Identifiers: ClinVar variation 5007611 (VCV005007611.2).

ClinVar aggregate classification (germline): Uncertain significance (1 of 4 stars; one submission).

Conditions:
Nystagmus 6, congenital, X-linked (NYS6). Identifiers: MedGen C3151752, MONDO:0010435, OMIM 300814.
Ocular albinism, type I (OA1). Also called: NETTLESHIP-FALLS TYPE OCULAR ALBINISM; Ocular albinism, type I, Nettleship-Falls type; Ocular Albinism type 1; X-linked recessive ocular albinism. Identifiers: Orphanet 54, MedGen C0342684, MONDO:0021019, OMIM 300500.

Submission:

Juno Genomics, Hangzhou Juno Genomics, Inc
Classification: Uncertain significance for Nystagmus 6, congenital, X-linked; Ocular albinism, type I. Review status: criteria provided, single submitter. Criteria: ACMG Guidelines, 2015. Collection method: clinical testing. Allele origin: germline.
Comment: Absent from controls (or at extremely low frequency if recessive) in Genome Aggregation Database.;Multiple lines of computational evidence support a deleterious effect on the gene or gene product.